The following is an entry in ClinVar:

NM_170601.5(SIAE):c.1320+2T>G

Gene: SIAE (sialic acid acetylesterase; minus strand). Cytogenetic location: 11q24.2.
Variant type: single nucleotide variant.
Coding change: c.1320+2T>G on transcript NM_170601.5 (MANE Select); the canonical splice donor site of the intron after coding-DNA position 1320, T replaced by G.
Molecular consequence: splice donor variant.
Genome position (GRCh38, 1-based): chr11:124,638,540, A>C on the plus strand (T>G on the coding strand, the complement: SIAE is on the minus strand). VCF-style: chr11-124638540-A-C. GRCh37 (hg19) VCF-style: chr11-124508436-A-C.
Other names: c.1215+2T>G (NM_001199922.2).
Identifiers: ClinVar variation 1353565 (VCV001353565.5), dbSNP rs1236000858, ClinGen allele CA383143786.

ClinVar aggregate classification (germline): Uncertain significance (1 of 4 stars; one submission).

Allele frequency attached by ClinVar (database versions not stated): gnomAD exomes below 0.00001; gnomAD 0.00001.
gnomAD v4.1: 19 of 1,614,006 alleles (0.0012%); highest among the groups gnomAD compares: Non-Finnish European, 0.0015%; no homozygotes.

Submission:

Labcorp Genetics (formerly Invitae), Labcorp
Classification: Uncertain significance. Last evaluated: 2024-01-05. Review status: criteria provided, single submitter. Criteria: Invitae Variant Classification Sherloc (09022015). Collection method: clinical testing. Allele origin: germline.
Comment: This sequence change affects a donor splice site in intron 9 of the SIAE gene. It is expected to disrupt RNA splicing. Variants that disrupt the donor or acceptor splice site typically lead to a loss of protein function (PMID: 16199547), however the current clinical and genetic evidence is not sufficient to establish whether loss-of-function variants in SIAE cause disease. This variant is present in population databases (no rsID available, gnomAD 0.002%). This variant has not been reported in the literature in individuals affected with SIAE-related conditions. ClinVar contains an entry for this variant (Variation ID: 1353565). Algorithms developed to predict the effect of sequence changes on RNA splicing suggest that this variant may disrupt the consensus splice site. In summary, the available evidence is currently insufficient to determine the role of this variant in disease. Therefore, it has been classified as a Variant of Uncertain Significance.

Literature cited by the submitters: PubMed 16199547.